The following is an entry in ClinVar:

NM_005676.5(RBM10):c.1552C>G (p.Gln518Glu)

Gene: RBM10 (RNA binding motif protein 10; plus strand). Cytogenetic location: Xp11.3.
Variant type: single nucleotide variant.
Coding change: c.1552C>G on transcript NM_005676.5 (MANE Select); coding-DNA position 1552, C replaced by G.
Protein change: p.Gln518Glu; replaces glutamine 518 with glutamic acid.
Molecular consequence: missense variant.
Genome position (GRCh38, 1-based): chrX:47,181,623, C>G. VCF-style: chrX-47181623-C-G. GRCh37 (hg19) VCF-style: chrX-47041022-C-G.
Other names: c.1549C>G, p.Gln517Glu (NM_001204467.2); c.1747C>G, p.Gln583Glu (NM_001204468.2); c.1744C>G, p.Gln582Glu (NM_001440861.1); c.1516C>G, p.Gln506Glu (NM_001440862.1); c.1513C>G, p.Gln505Glu (NM_001440863.1); c.1318C>G, p.Gln440Glu (NM_152856.3); c.1321C>G, p.Gln441Glu (NM_001204466.2); short protein forms Q440E, Q441E, Q505E, Q506E, Q517E, Q518E, Q582E, Q583E.
Identifiers: ClinVar variation 4852691 (VCV004852691.2).
Genomic context (GRCh38, chrX:47,181,623, plus strand): 5'-CGCGCCCAGCCTGGTGCTGCTCCTGGCATCTACCAACAATCAGCCGAGGCGAGCAGTAGC[C>G]AGGGCACTGCTGCCAACAGCCAGGTGAGTGAGCCCTGTGGGTATGTATCCCGGGGAGGCA-3'
Protein context (NP_005667.2, residues 508-528): YQQSAEASSS[Gln518Glu]GTAANSQSYT

ClinVar aggregate classification (germline): Uncertain significance (1 of 4 stars; one submission).

gnomAD v4.1: 1 of 1,206,885 alleles (0.000083%); highest among the groups gnomAD compares: Non-Finnish European, 0.00011%; no homozygotes.

Submission:

Dasa
Classification: Uncertain significance. Last evaluated: 2026-01-12. Review status: criteria provided, single submitter. Criteria: DASA Assertion Criteria. Collection method: clinical testing. Allele origin: germline.
Comment: NM_005676.5(RBM10):c.1552C>G (p.Gln518Glu) is a missense variant that results in the substitution of glutamine with glutamic acid. This variant is rare in population databases. The currently available literature and clinical evidence are not sufficient to establish a definitive association between this variant and the reported condition. Therefore, this variant is classified as a variant of uncertain significance.